The following is an entry in ClinVar:

ClinVar aggregate classification (germline): Uncertain significance (1 of 4 stars; one submission).

gnomAD v4.1: 1 of 1,614,166 alleles (0.000062%); highest among the groups gnomAD compares: Non-Finnish European, 0.000085%; no homozygotes.

Submission:

GeneDx
Classification: Uncertain significance. Last evaluated: 2022-07-05. Review status: criteria provided, single submitter. Criteria: GeneDx Variant Classification Process June 2021. Collection method: clinical testing. Allele origin: germline. Affected: yes.
Comment: Not observed at significant frequency in large population cohorts (gnomAD); In silico analysis supports that this missense variant has a deleterious effect on protein structure/function; Has not been previously published as pathogenic or benign to our knowledge; Variants in candidate genes are classified as variants of uncertain significance in accordance with ACMG guidelines (Richards et al., 2015)

NM_002232.5(KCNA3):c.1066C>G (p.Gln356Glu)

Gene: KCNA3 (potassium voltage-gated channel subfamily A member 3; minus strand). Cytogenetic location: 1p13.3.
Variant type: single nucleotide variant.
Coding change: c.1066C>G on transcript NM_002232.5 (MANE Select); coding-DNA position 1066, C replaced by G.
Protein change: p.Gln356Glu; replaces glutamine 356 with glutamic acid.
Molecular consequence: missense variant.
Genome position (GRCh38, 1-based): chr1:110,673,744, G>C on the plus strand (C>G on the coding strand, the complement: KCNA3 is on the minus strand). VCF-style: chr1-110673744-G-C. GRCh37 (hg19) VCF-style: chr1-111216366-G-C.
Other names: short protein forms Q356E.
Identifiers: ClinVar variation 3342563 (VCV003342563.1).